The following is an entry in ClinVar:

NM_004329.2(BMPR1A):c.232_240delACTAATGGA

Gene: BMPR1A (bone morphogenetic protein receptor type 1A; plus strand). Cytogenetic location: 10q23.2.
Variant type: Deletion.
Coding change: c.232_240delACTAATGGA on transcript NM_004329.2; coding-DNA positions 232 to 240, 9 bases deleted (ACTAATGGA).
Genome position (GRCh38, 1-based): chr10:86,892,128-86,892,136, ACTAATGGA deleted; deleting any 9 consecutive bases within chr10:86,892,126-86,892,136 gives the same sequence; the c. name uses the placement nearest the transcript's 3' end. VCF-style (leftmost placement, unchanged base first): chr10-86892125-AGAACTAATG-A. GRCh37 (hg19) VCF-style: chr10-88651882-AGAACTAATG-A.
Identifiers: ClinVar variation 5033029 (VCV005033029.1).

ClinVar aggregate classification (germline): Likely pathogenic (1 of 4 stars; one submission).

Conditions:
Hereditary cancer-predisposing syndrome. Also called: Neoplastic Syndromes, Hereditary; Tumor predisposition; Hereditary neoplastic syndrome; Hereditary Cancer Syndrome. Identifiers: Orphanet 140162, MedGen C0027672, MeSH D009386, MONDO:0015356.

Submission:

Ambry Genetics
Classification: Likely pathogenic for Hereditary cancer-predisposing syndrome. Last evaluated: 2026-07-07. Review status: criteria provided, single submitter. Criteria: Ambry Variant Classification Scheme 2023. Collection method: clinical testing. Allele origin: germline.
Comment: The c.232_240delACTAATGGA variant (also known as p.T78_G80del) is located in coding exon 3 of the BMPR1A gene. This variant results from an in-frame ACTAATGGA deletion at nucleotide positions 232 to 240. This results in the deletion of 3 residues (TNG) between codons 78 to 80. This amino acid region is highly conserved in available vertebrate species and the impacted region is critical for protein function (Ambry internal data). This variant was reported in individual(s) with features consistent with BMPR1A-related juvenile polyposis syndrome (Ambry internal data). In addition, this variant is predicted to be deleterious by in silico analysis (Choi Y et al. PLoS ONE. 2012; 7(10):e46688). This variant is considered to be rare based on population cohorts in the Genome Aggregation Database (gnomAD). Based on the majority of available evidence to date, this variant is likely to be pathogenic.